The following is an entry in ClinVar:

NM_000124.4(ERCC6):c.2561A>T (p.Gln854Leu)

Gene: ERCC6 (ERCC excision repair 6, chromatin remodeling factor; minus strand). Cytogenetic location: 10q11.23.
Variant type: single nucleotide variant.
Coding change: c.2561A>T on transcript NM_000124.4 (MANE Select); coding-DNA position 2561, A replaced by T.
Protein change: p.Gln854Leu; replaces glutamine 854 with leucine.
Molecular consequence: missense variant.
Genome position (GRCh38, 1-based): chr10:49,474,064, T>A on the plus strand (A>T on the coding strand, the complement: ERCC6 is on the minus strand). VCF-style: chr10-49474064-T-A. GRCh37 (hg19) VCF-style: chr10-50682110-T-A.
Other names: c.2561A>T, p.Gln854Leu (NM_001346440.2); short protein forms Q854L.
Identifiers: ClinVar variation 1912899 (VCV001912899.3), dbSNP rs754265680, ClinGen allele CA376721281.

ClinVar aggregate classification (germline): Uncertain significance (1 of 4 stars; one submission).

gnomAD v4.1: 1 of 1,614,132 alleles (0.000062%); highest among the groups gnomAD compares: Non-Finnish European, 0.000085%; no homozygotes.

Submission:

Labcorp Genetics (formerly Invitae), Labcorp
Classification: Uncertain significance. Last evaluated: 2022-08-09. Review status: criteria provided, single submitter. Criteria: Invitae Variant Classification Sherloc (09022015). Collection method: clinical testing. Allele origin: germline.
Comment: In summary, the available evidence is currently insufficient to determine the role of this variant in disease. Therefore, it has been classified as a Variant of Uncertain Significance. Algorithms developed to predict the effect of missense changes on protein structure and function (SIFT, PolyPhen-2, Align-GVGD) all suggest that this variant is likely to be disruptive. This variant has not been reported in the literature in individuals affected with ERCC6-related conditions. This variant is not present in population databases (gnomAD no frequency). This sequence change replaces glutamine, which is neutral and polar, with leucine, which is neutral and non-polar, at codon 854 of the ERCC6 protein (p.Gln854Leu).